The following is an entry in ClinVar:

NM_004990.4(MARS1):c.1968-1G>A

Gene: MARS1 (methionyl-tRNA synthetase 1; plus strand). Cytogenetic location: 12q13.3.
Variant type: single nucleotide variant.
Coding change: c.1968-1G>A on transcript NM_004990.4 (MANE Select); the canonical splice acceptor site of the intron before coding-DNA position 1968, G replaced by A.
Molecular consequence: splice acceptor variant.
Genome position (GRCh38, 1-based): chr12:57,514,719, G>A. VCF-style: chr12-57514719-G-A. GRCh37 (hg19) VCF-style: chr12-57908502-G-A.
Identifiers: ClinVar variation 2921194 (VCV002921194.1), dbSNP rs2540318048, ClinGen allele CA385464276.
Genomic context (GRCh38, chr12:57,514,719, plus strand): 5'-AGGAGACGGGATAATAACTTCCCCTCTTTTTTCCACTTCTGCTTTCCTACTCCCAACCAA[G>A]AGCTGGGATGTTTGTGTCTAAGTTCTTTGGGGGCTATGTGCCTGAGATGGTGCTCACCCC-3'

ClinVar aggregate classification (germline): Uncertain significance (1 of 4 stars; one submission).

Submission:

ARUP Laboratories, Molecular Genetics and Genomics, ARUP Laboratories
Classification: Uncertain significance. Last evaluated: 2023-11-21. Review status: criteria provided, single submitter. Criteria: ARUP Molecular Germline Variant Investigation Process 2024. Collection method: clinical testing. Allele origin: germline.
Comment: The MARS1 c.1968-1G>A variant, to our knowledge, is not reported in the medical literature or gene specific databases. This variant is also absent from the Genome Aggregation Database (v2.1.1), indicating it is not a common polymorphism. This variant disrupts the canonical splice acceptor site of intron 15, which is likely to negatively impact gene function. However, unlike the c.1968-1G>A variant, the majority of variants reported in individuals affected with MARS1-associated Charcot-Marie-Tooth disease to date are missense (Gillespie 2019, Ma 2022). Due to limited information, the clinical significance of the c.1968-1G>A variant is uncertain at this time. References: Gillespie MK et al. A Novel Mutation in MARS in a Patient with Charcot-Marie-Tooth Disease, Axonal, Type 2U with Congenital Onset. J Neuromuscul Dis. 2019;6(3):333-339. PMID: 31356216. Ma Z et al. Clinicopathological features in two families with MARS-related Charcot-Marie-Tooth disease. Neuropathology. 2022 Dec;42(6):505-511. PMID: 35723632.